The following is an entry in ClinVar:

ClinVar aggregate classification (germline): Uncertain significance. Review status: criteria provided, multiple submitters, no conflicts (2 of 4 stars). 3 submissions from 3 submitters: Uncertain significance (3). Last evaluated 2023-10-03.

Conditions:
Leukoencephalopathy, acute reversible, with increased urinary alpha-ketoglutarate. Identifiers: Orphanet 615964, MedGen C5193068, MONDO:0032716, OMIM 618384.

Allele frequency attached by ClinVar (database versions not stated): gnomAD 0.00001; gnomAD exomes 0.00002 and 0.00009; TOPMed 0.00002; ExAC 0.00007; 1000 Genomes Project 0.00040; 1000 Genomes Project 30x 0.00047.
gnomAD v4.1: 34 of 1,614,086 alleles (0.0021%); highest among the groups gnomAD compares: East Asian, 0.049%; no homozygotes.

Submissions (3):

Labcorp Genetics (formerly Invitae), Labcorp
Classification: Uncertain significance. Last evaluated: 2023-10-03. Review status: criteria provided, single submitter. Criteria: Invitae Variant Classification Sherloc (09022015). Collection method: clinical testing. Allele origin: germline.
Comment: This sequence change replaces asparagine, which is neutral and polar, with serine, which is neutral and polar, at codon 586 of the SLC13A3 protein (p.Asn586Ser). This variant is present in population databases (rs201877988, gnomAD 0.1%), and has an allele count higher than expected for a pathogenic variant. This variant has not been reported in the literature in individuals affected with SLC13A3-related conditions. ClinVar contains an entry for this variant (Variation ID: 1408746). An algorithm developed to predict the effect of missense changes on protein structure and function (PolyPhen-2) suggests that this variant is likely to be tolerated. In summary, the available evidence is currently insufficient to determine the role of this variant in disease. Therefore, it has been classified as a Variant of Uncertain Significance.

Ambry Genetics
Classification: Uncertain significance. Last evaluated: 2023-06-28. Review status: criteria provided, single submitter. Criteria: Ambry Variant Classification Scheme 2023. Collection method: clinical testing. Allele origin: germline.

Revvity Omics, Revvity
Classification: Uncertain significance for Leukoencephalopathy, acute reversible, with increased urinary alpha-ketoglutarate. Last evaluated: 2023-04-20. Review status: criteria provided, single submitter. Criteria: ACMG Guidelines, 2015. Collection method: clinical testing. Allele origin: germline.

NM_022829.6(SLC13A3):c.1757A>G (p.Asn586Ser)

Gene: SLC13A3 (solute carrier family 13 member 3; minus strand). Cytogenetic location: 20q13.12.
Variant type: single nucleotide variant.
Coding change: c.1757A>G on transcript NM_022829.6 (MANE Select); coding-DNA position 1757, A replaced by G.
Protein change: p.Asn586Ser; replaces asparagine 586 with serine.
Molecular consequence: missense variant.
Genome position (GRCh38, 1-based): chr20:46,560,074, T>C on the plus strand (A>G on the coding strand, the complement: SLC13A3 is on the minus strand). VCF-style: chr20-46560074-T-C. GRCh37 (hg19) VCF-style: chr20-45188713-T-C.
Other names: c.1757A>G (NM_022829.5); c.1616A>G, p.Asn539Ser (NM_001011554.3); c.1607A>G, p.Asn536Ser (NM_001193339.2); c.1511A>G, p.Asn504Ser (NM_001193340.2); c.1463A>G, p.Asn488Ser (NM_001193342.2); short protein forms N504S, N539S, N586S, N536S, N488S.
Identifiers: ClinVar variation 1408746 (VCV001408746.9), dbSNP rs201877988, ClinGen allele CA9891156.
Genomic context (GRCh38, chr20:46,560,074, plus strand): 5'-AGGGGGACTCAGAGGGTCCGAAATGTGTCATTGGCCAAGGTGGGTGGCAATGCTGTGACA[T>C]TGACCGAGTACATATCAGCCCAGTCCGGGAAGGTGCCCAGCTGGAAGATGGTCTGTGCCC-3'
Protein context (NP_073740.2, residues 576-596): FPDWADMYSV[Asn586Ser]VTALPPTLAN